The following is an entry in ClinVar:

NM_000426.4(LAMA2):c.7271del (p.Ser2424fs)

Gene: LAMA2 (laminin subunit alpha 2; plus strand). Cytogenetic location: 6q22.33.
Variant type: Deletion.
Coding change: c.7271del on transcript NM_000426.4 (MANE Select); coding-DNA position 7271, one base deleted (C; older notation c.7271delC).
Protein change: p.Ser2424fs; shifts the reading frame from serine 2424.
Molecular consequence: frameshift variant.
Genome position (GRCh38, 1-based): chr6:129,465,260, C deleted. VCF-style (leftmost placement, unchanged base first): chr6-129465259-TC-T. GRCh37 (hg19) VCF-style: chr6-129786404-TC-T.
Other names: c.7271del, p.Ser2424fs (NM_001079823.2); short protein forms S2424fs.
Identifiers: ClinVar variation 4855931 (VCV004855931.1).

ClinVar aggregate classification (germline): Pathogenic (1 of 4 stars; one submission).

Conditions:
Merosin deficient congenital muscular dystrophy (MDC1A). Also called: Congenital merosin-deficient muscular dystrophy 1A; Congenital Muscular Dystrophy Type 1A (MDC1A). Identifiers: Orphanet 258, MedGen C1263858, MONDO:0011925, OMIM 607855.

Submission:

3billion
Classification: Pathogenic for Merosin deficient congenital muscular dystrophy. Last evaluated: 2025-05-22. Review status: criteria provided, single submitter. Criteria: ACMG Guidelines, 2015. Collection method: clinical testing. Allele origin: germline. Affected: yes.
Comment: The variant is not observed in the gnomAD v4.1.0 dataset. Predicted Consequence/Location: Frameshift: predicted to result in a loss or disruption of normal protein function through nonsense-mediated decay (NMD) or protein truncation. Multiple pathogenic variants are reported downstream of the variant. Therefore, this variant is classified as Pathogenic according to the recommendation of ACMG/AMP guideline.